The following is an entry in ClinVar:

NM_000535.7(PMS2):c.771G>A (p.Leu257=)

Gene: PMS2 (PMS1 homolog 2, mismatch repair system component; minus strand). Cytogenetic location: 7p22.1.
Variant type: single nucleotide variant.
Coding change: c.771G>A on transcript NM_000535.7 (MANE Select); coding-DNA position 771, G replaced by A.
Protein change: p.Leu257=; no amino-acid change (leucine 257 retained).
Molecular consequence: synonymous variant. On other transcripts: 5 prime UTR variant (2), non-coding transcript variant (1).
Genome position (GRCh38, 1-based): chr7:5,997,358, C>T on the plus strand (G>A on the coding strand, the complement: PMS2 is on the minus strand). VCF-style: chr7-5997358-C-T. GRCh37 (hg19) VCF-style: chr7-6036989-C-T.
Other names: c.366G>A, p.Leu122= (NM_001322003.2, NM_001322004.2, NM_001322005.2 and 2 more transcripts); c.771G>A, p.Leu257= (NM_001322006.2, NM_001322014.2); c.453G>A, p.Leu151= (NM_001322007.2, NM_001322008.2); c.-163G>A (NM_001322011.2, NM_001322012.2); c.198G>A, p.Leu66= (NM_001322013.2); c.462G>A, p.Leu154= (NM_001322015.2).
Identifiers: ClinVar variation 484296 (VCV000484296.17), dbSNP rs746652254, ClinGen allele CA051595.
Genomic context (GRCh38, chr7:5,997,358, plus strand): 5'-GTAGTTCTCTTGCCAGCAATCTACTTACTAAAAAAGATTATGCAGAGCATCGGAACAGCT[C>T]AAACCGTACTCTTCACACACGGAGTCACTAGGGGGCAGCTGAACAAAAGGAATGAGGCTT-3'
Protein context (NP_000526.2, residues 247-267): PSDSVCEEYG[Leu257=]SCSDALHNLF

ClinVar aggregate classification (germline): Benign/Likely benign. Review status: criteria provided, multiple submitters, no conflicts (2 of 4 stars). 4 submissions from 4 submitters: Benign (1); Likely benign (3). Last evaluated 2025-01-28.

Conditions:
Hereditary cancer-predisposing syndrome. Also called: Neoplastic Syndromes, Hereditary; Tumor predisposition; Hereditary Cancer Syndrome; Hereditary neoplastic syndrome. Identifiers: Orphanet 140162, MedGen C0027672, MeSH D009386, MONDO:0015356.
Lynch syndrome 4 (LYNCH4). Also called: Colorectal cancer, hereditary nonpolyposis, type 4; Hereditary non-polyposis colorectal cancer, type 4. Identifiers: Orphanet 144, MedGen C1838333, MONDO:0013699, OMIM 614337. Disease mechanism: loss of function.
Hereditary nonpolyposis colorectal neoplasms. Identifiers: MedGen C0009405, MeSH D003123.

Allele frequency attached by ClinVar (database versions not stated): gnomAD exomes below 0.00001 and 0.00001; ExAC 0.00002.
gnomAD v4.1: 3 of 1,602,314 alleles (0.00019%); highest among the groups gnomAD compares: South Asian, 0.0033%; no homozygotes.

Submissions (4):

Myriad Genetics, Inc.
Classification: Benign for Lynch syndrome 4. Last evaluated: 2025-01-28. Review status: criteria provided, single submitter. Criteria: Myriad Autosomal Dominant, Autosomal Recessive and X-Linked Classification Criteria (2023). Collection method: clinical testing. Allele origin: unknown.
Comment: This variant is considered benign. This variant is a silent/synonymous amino acid change and it is not expected to impact splicing.

Labcorp Genetics (formerly Invitae), Labcorp
Classification: Likely benign for Hereditary nonpolyposis colorectal neoplasms. Last evaluated: 2024-11-05. Review status: criteria provided, single submitter. Criteria: Invitae Variant Classification Sherloc (09022015). Collection method: clinical testing. Allele origin: germline.

Color Diagnostics, LLC DBA Color Health
Classification: Likely benign for Hereditary cancer-predisposing syndrome. Last evaluated: 2020-01-06. Review status: criteria provided, single submitter. Criteria: ACMG Guidelines, 2015. Collection method: clinical testing. Allele origin: germline.

Ambry Genetics
Classification: Likely benign for Hereditary cancer-predisposing syndrome. Last evaluated: 2016-10-16. Review status: criteria provided, single submitter. Criteria: Ambry Variant Classification Scheme 2023. Collection method: clinical testing. Allele origin: germline.